The following is an entry in ClinVar:

NM_152713.5(STT3A):c.302A>G (p.His101Arg)

Gene: STT3A (STT3 oligosaccharyltransferase complex catalytic subunit A; plus strand). Cytogenetic location: 11q24.2.
Variant type: single nucleotide variant.
Coding change: c.302A>G on transcript NM_152713.5 (MANE Select); coding-DNA position 302, A replaced by G.
Protein change: p.His101Arg; replaces histidine 101 with arginine.
Molecular consequence: missense variant.
Genome position (GRCh38, 1-based): chr11:125,602,833, A>G. VCF-style: chr11-125602833-A-G. GRCh37 (hg19) VCF-style: chr11-125472728-A-G.
Other names: c.302A>G, p.His101Arg (NM_001278503.2); c.26A>G, p.His9Arg (NM_001278504.2); short protein forms H101R, H9R.
Identifiers: ClinVar variation 5030332 (VCV005030332.1).

ClinVar aggregate classification (germline): Uncertain significance (1 of 4 stars; one submission).

Conditions:
Inborn genetic diseases. Identifiers: MedGen C0950123, MeSH D030342.

gnomAD v4.1: 8 of 1,613,932 alleles (0.0005%); highest among the groups gnomAD compares: South Asian, 0.0022%; no homozygotes.

Submission:

Ambry Genetics
Classification: Uncertain significance for Inborn genetic diseases. Last evaluated: 2026-08-27. Review status: criteria provided, single submitter. Criteria: Ambry Variant Classification Scheme 2023. Collection method: clinical testing. Allele origin: germline.
Comment: The c.302A>G (p.H101R) alteration is located in exon 5 (coding exon 4) of the STT3A gene. This alteration results from a A to G substitution at nucleotide position 302, causing the histidine (H) at amino acid position 101 to be replaced by an arginine (R). Based on data from gnomAD, the G allele has an overall frequency of <0.001% (1/251466) total alleles studied. The highest observed frequency was 0.003% (1/30616) of South Asian alleles. Based on insufficient or conflicting evidence, the clinical significance of this alteration remains unclear.